The following is an entry in ClinVar:

ClinVar aggregate classification (germline): Pathogenic. Review status: reviewed by expert panel (3 of 4 stars). 2 submissions from 2 submitters: Pathogenic (1). 1 of the submissions does not count toward it. Last evaluated 2017-12-15.

Conditions:
Hereditary breast ovarian cancer syndrome. Also called: Hereditary breast and ovarian cancer syndrome (HBOC); BRCA1- and BRCA2-Associated Hereditary Breast and Ovarian Cancer; Hereditary breast and/or ovarian cancer syndrome; Hereditary breast and ovarian cancer syndrome; Hereditary breast and ovarian cancer; Breast and ovarian cancer. Identifiers: Orphanet 145, MedGen C0677776, MeSH D061325, MONDO:0003582. Disease mechanism: loss of function.
Breast-ovarian cancer, familial, susceptibility to, 1 (BROVCA1). Also called: BRCA1 Hereditary Breast and Ovarian Cancer; OVARIAN CANCER, SUSCEPTIBILITY TO. Identifiers: Orphanet 145, MedGen C2676676, MONDO:0011450, OMIM 604370. Disease mechanism: loss of function.

Submissions (2):

Evidence-based Network for the Interpretation of Germline Mutant Alleles (ENIGMA)
Classification: Pathogenic for Breast-ovarian cancer, familial, susceptibility to, 1. Last evaluated: 2017-12-15. Review status: reviewed by expert panel. Criteria: ENIGMA BRCA1/2 Classification Criteria (2017-06-29). Collection method: curation. Allele origin: germline. Study: ENIGMA.
Comment: Variant allele predicted to encode a truncated non-functional protein.

Research Molecular Genetics Laboratory, Women's College Hospital, University of Toronto
Classification: Pathogenic for Hereditary breast ovarian cancer syndrome. Last evaluated: 2014-01-31. Review status: no assertion criteria provided. Collection method: research. Allele origin: germline. Affected: yes. Study: The Canadian Open Genetics Repository (COGR). Not counted in ClinVar's aggregate classification.

NM_007294.4(BRCA1):c.4507_4511del (p.Ser1503fs)

Gene: BRCA1 (BRCA1 DNA repair associated; minus strand). Cytogenetic location: 17q21.31.
Variant type: Deletion.
Coding change: c.4507_4511del on transcript NM_007294.4 (MANE Select); coding-DNA positions 4507 to 4511, 5 bases deleted (TCATT; older notation c.4507_4511delTCATT).
Protein change: p.Ser1503fs; shifts the reading frame from serine 1503.
Molecular consequence: frameshift variant. On other transcripts: non-coding transcript variant (1).
Genome position (GRCh38, 1-based): chr17:43,074,495-43,074,499, AATGA deleted on the plus strand (TCATT on the coding strand, the reverse complement: BRCA1 is on the minus strand). VCF-style (leftmost placement, unchanged base first): chr17-43074494-TAATGA-T. GRCh37 (hg19) VCF-style: chr17-41226511-TAATGA-T.
Other names: c.4294_4298delTCATT, p.Ser1432Argfs (NM_001407571.1, NM_001407894.1, NM_001407895.1 and 12 more transcripts); c.4573_4577delTCATT, p.Ser1525Argfs (NM_001407581.1, NM_001407582.1); c.4570_4574delTCATT, p.Ser1524Argfs (NM_001407583.1, NM_001407585.1, NM_001407587.1); c.4567_4571delTCATT, p.Ser1523Argfs (NM_001407590.1, NM_001407591.1); c.4507_4511delTCATT, p.Ser1503Argfs (NM_001407593.1, NM_001407594.1, NM_001407596.1 and 8 more transcripts); c.4504_4508delTCATT, p.Ser1502Argfs (NM_001407610.1, NM_001407611.1, NM_001407612.1 and 17 more transcripts); c.4501_4505delTCATT, p.Ser1501Argfs (NM_001407627.1, NM_001407628.1, NM_001407629.1 and 14 more transcripts); c.4498_4502delTCATT, p.Ser1500Argfs (NM_001407644.1, NM_001407645.1); and 71 more; short protein forms S1503fs, S1456fs, S1524fs, S399fs.
Identifiers: ClinVar variation 431264 (VCV000431264.2), dbSNP rs1135401877, ClinGen allele CA645373163.